The following is an entry in ClinVar:

ClinVar aggregate classification (germline): Likely benign. Review status: criteria provided, multiple submitters, no conflicts (2 of 4 stars). 3 submissions from 3 submitters: Likely benign (3). Last evaluated 2025-12-01.

gnomAD v4.1: 5 of 1,603,298 alleles (0.00031%); highest among the groups gnomAD compares: African/African-American, 0.0013%; no homozygotes.

Submissions (3):

CeGaT Center for Human Genetics Tuebingen
Classification: Likely benign. Last evaluated: 2025-12-01. Review status: criteria provided, single submitter. Criteria: CeGaT Center For Human Genetics Tuebingen Variant Classification Criteria Version 2. Collection method: clinical testing. Allele origin: germline. Affected: yes. Observed: 1 variant allele.
Comment: SPEG: BP4, BP7

Labcorp Genetics (formerly Invitae), Labcorp
Classification: Likely benign. Last evaluated: 2025-11-25. Review status: criteria provided, single submitter. Criteria: Invitae Variant Classification Sherloc (09022015). Collection method: clinical testing. Allele origin: germline.

Blueprint Genetics
Classification: Likely benign. Last evaluated: 2023-05-10. Review status: criteria provided, single submitter. Criteria: ACMG Guidelines, 2015. Collection method: clinical testing. Allele origin: germline.

NM_005876.5(SPEG):c.4758C>T (p.Val1586=)

Gene: SPEG (striated muscle enriched protein kinase; plus strand). Cytogenetic location: 2q35.
Variant type: single nucleotide variant.
Coding change: c.4758C>T on transcript NM_005876.5 (MANE Select); coding-DNA position 4758, C replaced by T.
Protein change: p.Val1586=; no amino-acid change (valine 1586 retained).
Molecular consequence: synonymous variant.
Genome position (GRCh38, 1-based): chr2:219,477,717, C>T. VCF-style: chr2-219477717-C-T. GRCh37 (hg19) VCF-style: chr2-220342439-C-T.
Identifiers: ClinVar variation 4681405 (VCV004681405.7).